The following is an entry in ClinVar:

ClinVar aggregate classification (germline): Conflicting classifications of pathogenicity. Review status: criteria provided, conflicting classifications (1 of 4 stars). 5 submissions from 5 submitters: Uncertain significance (1); Likely benign (3). 1 of the submissions does not count toward it. Last evaluated 2025-12-08.

Conditions:
Asphyxiating thoracic dystrophy 3. Also called: SHORT-RIB THORACIC DYSPLASIA 3 WITH OR WITHOUT POLYDACTYLY; POLYDACTYLY WITH NEONATAL CHONDRODYSTROPHY, TYPE I; SHORT-RIB THORACIC DYSPLASIA 3/6 WITH POLYDACTYLY, DIGENIC; Short rib polydactyly syndrome 2B; Saldino-Noonan Syndrome. Identifiers: Orphanet 474, Orphanet 93269, Orphanet 93270, Orphanet 93271, MedGen C0036069, MONDO:0013127, OMIM 613091.
Retinal dystrophy. Also called: Inherited retinal dystrophy. Identifiers: Orphanet 71862, MedGen C0854723, MeSH D058499, MONDO:0019118, HP:0000556.
Jeune thoracic dystrophy. Also called: Short-rib thoracic dysplasia; Infantile thoracic dystrophy; Thoracic pelvic phalangeal dystrophy; Jeune's syndrome; Chondroectodermal dysplasia-like syndrome; Jeune syndrome. Identifiers: Orphanet 474, MedGen C0265275, MONDO:0018770.

Allele frequency attached by ClinVar (database versions not stated): ExAC 0.00008; gnomAD exomes 0.00008; TOPMed 0.00009; gnomAD 0.00010 and 0.00011; ESP Exome Variant Server 0.00017.
gnomAD v4.1: 122 of 1,575,934 alleles (0.0077%); highest among the groups gnomAD compares: Non-Finnish European, 0.01%; no homozygotes.

Submissions (5):

Labcorp Genetics (formerly Invitae), Labcorp
Classification: Likely benign for Jeune thoracic dystrophy. Last evaluated: 2025-12-08. Review status: criteria provided, single submitter. Criteria: Invitae Variant Classification Sherloc (09022015). Collection method: clinical testing. Allele origin: germline.

CeGaT Center for Human Genetics Tuebingen
Classification: Likely benign. Last evaluated: 2025-05-01. Review status: criteria provided, single submitter. Criteria: CeGaT Center For Human Genetics Tuebingen Variant Classification Criteria Version 2. Collection method: clinical testing. Allele origin: germline. Affected: yes. Observed: 2 variant alleles.
Comment: DYNC2H1: BP4, BP7

Blueprint Genetics
Classification: Likely benign. Last evaluated: 2024-10-23. Review status: criteria provided, single submitter. Criteria: ACMG Guidelines, 2015. Collection method: clinical testing. Allele origin: germline.

Illumina Laboratory Services, Illumina
Classification: Uncertain significance for Asphyxiating thoracic dystrophy 3. Last evaluated: 2018-01-13. Review status: criteria provided, single submitter. Criteria: ICSL Variant Classification Criteria 13 December 2019. Collection method: clinical testing. Allele origin: germline.

Institute of Human Genetics, Univ. Regensburg, Univ. Regensburg
Classification: Uncertain significance for Retinal dystrophy. Last evaluated: 2022-01-01. Review status: no assertion criteria provided. Criteria: ACMG Guidelines, 2015. Collection method: clinical testing. Allele origin: germline. Affected: yes. Not counted in ClinVar's aggregate classification.

NM_001377.3(DYNC2H1):c.291T>A (p.Val97=)

Gene: DYNC2H1 (dynein cytoplasmic 2 heavy chain 1; plus strand). Cytogenetic location: 11q22.3.
Variant type: single nucleotide variant.
Coding change: c.291T>A on transcript NM_001377.3 (MANE Select); coding-DNA position 291, T replaced by A.
Protein change: p.Val97=; no amino-acid change (valine 97 retained).
Molecular consequence: synonymous variant.
Genome position (GRCh38, 1-based): chr11:103,113,632, T>A. VCF-style: chr11-103113632-T-A. GRCh37 (hg19) VCF-style: chr11-102984361-T-A.
Other names: c.291T>A, p.Val97= (NM_001080463.2).
Identifiers: ClinVar variation 301999 (VCV000301999.38), dbSNP rs377529350, ClinGen allele CA6252442.